The following is an entry in ClinVar:

NM_001378183.1(PIEZO2):c.685A>C (p.Ile229Leu)

Gene: PIEZO2 (piezo type mechanosensitive ion channel component 2; minus strand). Cytogenetic location: 18p11.22.
Variant type: single nucleotide variant.
Coding change: c.685A>C on transcript NM_001378183.1 (MANE Select); coding-DNA position 685, A replaced by C.
Protein change: p.Ile229Leu; replaces isoleucine 229 with leucine.
Molecular consequence: missense variant.
Genome position (GRCh38, 1-based): chr18:10,857,019, T>G on the plus strand (A>C on the coding strand, the complement: PIEZO2 is on the minus strand). VCF-style: chr18-10857019-T-G. GRCh37 (hg19) VCF-style: chr18-10857017-T-G.
Other names: c.685A>C, p.Ile229Leu (NM_001410871.1, NM_022068.4); short protein forms I229L.
Identifiers: ClinVar variation 2719971 (VCV002719971.3), dbSNP rs935092496, ClinGen allele CA402029295.

ClinVar aggregate classification (germline): Uncertain significance (1 of 4 stars; one submission).

Submission:

Labcorp Genetics (formerly Invitae), Labcorp
Classification: Uncertain significance. Last evaluated: 2024-08-13. Review status: criteria provided, single submitter. Criteria: Invitae Variant Classification Sherloc (09022015). Collection method: clinical testing. Allele origin: germline.
Comment: This sequence change replaces isoleucine, which is neutral and non-polar, with leucine, which is neutral and non-polar, at codon 229 of the PIEZO2 protein (p.Ile229Leu). This variant is not present in population databases (gnomAD no frequency). This variant has not been reported in the literature in individuals affected with PIEZO2-related conditions. Advanced modeling of protein sequence and biophysical properties (such as structural, functional, and spatial information, amino acid conservation, physicochemical variation, residue mobility, and thermodynamic stability) performed at Invitae indicates that this missense variant is not expected to disrupt PIEZO2 protein function with a negative predictive value of 80%. In summary, the available evidence is currently insufficient to determine the role of this variant in disease. Therefore, it has been classified as a Variant of Uncertain Significance.